The following is an entry in ClinVar:

ClinVar aggregate classification (germline): Likely pathogenic (1 of 4 stars; one submission).

Submission:

Dasa
Classification: Likely pathogenic. Last evaluated: 2024-10-08. Review status: criteria provided, single submitter. Criteria: DASA Assertion Criteria. Collection method: clinical testing. Allele origin: germline.
Comment: NM_001042492.3(NF1):c.6485_6495del (p.Tyr2162Trpfs*3) is a frameshift variant in NF1 predicted to alter the reading frame and introduce a premature termination codon and is predicted to result in an absent or altered protein product. Loss of function is an established disease mechanism for NF1 (PMID: 1757093; PMID: 1302608; PMID: 34427956). Also, this variant is absent from population databases. Based on the currently available evidence, this variant is classified as likely pathogenic.

Literature cited by the submitters: PubMed 1757093; PubMed 1302608; PubMed 34427956.

NM_001042492.3(NF1):c.6485_6495del (p.Tyr2162fs)

Gene: NF1 (neurofibromin 1; plus strand). Cytogenetic location: 17q11.2.
Variant type: Deletion.
Coding change: c.6485_6495del on transcript NM_001042492.3 (MANE Select); coding-DNA positions 6485 to 6495, 11 bases deleted (ACTTGCTGTTT).
Protein change: p.Tyr2162fs; shifts the reading frame from tyrosine 2162.
Molecular consequence: frameshift variant.
Genome position (GRCh38, 1-based): chr17:31,337,425-31,337,435, ACTTGCTGTTT deleted; deleting any 11 consecutive bases within chr17:31,337,422-31,337,435 gives the same sequence; the c. name uses the placement nearest the transcript's 3' end. VCF-style (leftmost placement, unchanged base first): chr17-31337421-TTTTACTTGCTG-T. GRCh37 (hg19) VCF-style: chr17-29664439-TTTTACTTGCTG-T.
Other names: c.6422_6432del, p.Tyr2141fs (NM_000267.4); short protein forms Y2141fs, Y2162fs.
Identifiers: ClinVar variation 4856855 (VCV004856855.2).